The following is an entry in ClinVar:

ClinVar aggregate classification (germline): Benign. Review status: criteria provided, single submitter (1 of 4 stars). 2 submissions from 2 submitters: Benign (1). 1 of the submissions does not count toward it. Last evaluated 2026-01-27.

Conditions:
TRIM8-related disorder. Also called: TRIM8-related condition.

Allele frequency attached by ClinVar (database versions not stated): gnomAD 0.00021; TOPMed 0.00027.
gnomAD v4.1: 64 of 1,546,208 alleles (0.0041%); highest among the groups gnomAD compares: African/African-American, 0.074%; no homozygotes.

Submissions (2):

Labcorp Genetics (formerly Invitae), Labcorp
Classification: Benign. Last evaluated: 2026-01-27. Review status: criteria provided, single submitter. Criteria: Invitae Variant Classification Sherloc (09022015). Collection method: clinical testing. Allele origin: germline.

PreventionGenetics, part of Exact Sciences
Classification: Likely benign for TRIM8-related condition. Last evaluated: 2024-07-26. Review status: no assertion criteria provided. Collection method: clinical testing. Allele origin: germline. Not counted in ClinVar's aggregate classification.
Comment: This variant is classified as likely benign based on ACMG/AMP sequence variant interpretation guidelines (Richards et al. 2015 PMID: 25741868, with internal and published modifications).

NM_030912.3(TRIM8):c.1142C>T (p.Thr381Met)

Gene: TRIM8 (tripartite motif containing 8; plus strand). Cytogenetic location: 10q24.32.
Variant type: single nucleotide variant.
Coding change: c.1142C>T on transcript NM_030912.3 (MANE Select); coding-DNA position 1142, C replaced by T.
Protein change: p.Thr381Met; replaces threonine 381 with methionine.
Molecular consequence: missense variant. On other transcripts: non-coding transcript variant (1).
Genome position (GRCh38, 1-based): chr10:102,656,840, C>T. VCF-style: chr10-102656840-C-T. GRCh37 (hg19) VCF-style: chr10-104416597-C-T.
Other names: c.1046C>T, p.Thr349Met (NM_001345950.1); c.1142C>T (NM_030912.2); short protein forms T349M, T381M.
Identifiers: ClinVar variation 2172766 (VCV002172766.5), dbSNP rs751046151, ClinGen allele CA5668267.
Genomic context (GRCh38, chr10:102,656,840, plus strand): 5'-GTGTCCCCCTGTACCCTTGCGGCGTGAGCAGCTCTGGGGCGGAAAAGCGCAAGCACTCAA[C>T]GGCCTTCCCAGAGGCCAGTTTCCTAGAGACGTCGTCGGGCCCTGTGGGCGGCCAGTACGG-3'
Protein context (NP_112174.2, residues 371-391): SSGAEKRKHS[Thr381Met]AFPEASFLET